The following is an entry in ClinVar:

NM_003221.4(TFAP2B):c.66C>G (p.Tyr22Ter)

Gene: TFAP2B (transcription factor AP-2 beta; plus strand). Cytogenetic location: 6p12.3.
Variant type: single nucleotide variant.
Coding change: c.66C>G on transcript NM_003221.4 (MANE Select); coding-DNA position 66, C replaced by G.
Protein change: p.Tyr22Ter; replaces tyrosine 22 with a stop codon.
Molecular consequence: nonsense.
Genome position (GRCh38, 1-based): chr6:50,818,957, C>G. VCF-style: chr6-50818957-C-G. GRCh37 (hg19) VCF-style: chr6-50786670-C-G.
Other names: short protein forms Y22*.
Identifiers: ClinVar variation 3065996 (VCV003065996.8), dbSNP rs1377078499, ClinGen allele CA364410155.

ClinVar aggregate classification (germline): Likely pathogenic. Review status: criteria provided, single submitter (1 of 4 stars). 2 submissions from 2 submitters: Likely pathogenic (1). 1 of the submissions does not count toward it. Last evaluated 2025-04-01.

Conditions:
Patent ductus arteriosus 2 (PDA2). Identifiers: MedGen C4284595, MONDO:0014878, OMIM 617035.

Submissions (2):

CeGaT Center for Human Genetics Tuebingen
Classification: Likely pathogenic. Last evaluated: 2025-04-01. Review status: criteria provided, single submitter. Criteria: CeGaT Center For Human Genetics Tuebingen Variant Classification Criteria Version 2. Collection method: clinical testing. Allele origin: germline. Affected: yes. Observed: 1 variant allele.
Comment: TFAP2B: PS2, PM2, PVS1:Moderate, PP4

Clinical Genetics Laboratory, University Hospital Schleswig-Holstein
Classification: Likely pathogenic for Patent ductus arteriosus 2. Last evaluated: 2022-11-25. Review status: no assertion criteria provided. Collection method: clinical testing. Allele origin: germline. Affected: yes. Not counted in ClinVar's aggregate classification.